The following is an entry in ClinVar:

ClinVar aggregate classification (germline): Uncertain significance. Review status: criteria provided, multiple submitters, no conflicts (2 of 4 stars). 3 submissions from 3 submitters: Uncertain significance (3). Last evaluated 2025-10-27.

Conditions:
Inborn genetic diseases. Identifiers: MedGen C0950123, MeSH D030342.
Fanconi anemia (FA). Also called: Fanconi's anemia. Identifiers: Orphanet 84, MedGen C0015625, MeSH D005199, MONDO:0019391.

gnomAD v4.1: 7 of 1,603,374 alleles (0.00044%); highest among the groups gnomAD compares: African/African-American, 0.008%; no homozygotes.

Submissions (3):

Quest Diagnostics Nichols Institute San Juan Capistrano
Classification: Uncertain significance. Last evaluated: 2025-10-27. Review status: criteria provided, single submitter. Criteria: Quest Diagnostics criteria. Collection method: clinical testing. Allele origin: unknown.
Comment: The FANCM c.2053T>C (p.Phe685Leu) variant has not been reported in individuals with FANCM-related conditions in the published literature. The frequency of this variant in the general population (Genome Aggregation Database) is uninformative in the assessment of its pathogenicity. Analysis of this variant using bioinformatics tools for the prediction of the effect of amino acid changes on protein structure and function yielded conflicting predictions that this variant is deleterious or benign. Based on the available information, we are unable to determine the clinical significance of this variant.

Ambry Genetics
Classification: Uncertain significance for Inborn genetic diseases. Last evaluated: 2024-11-23. Review status: criteria provided, single submitter. Criteria: Ambry Variant Classification Scheme 2023. Collection method: clinical testing. Allele origin: germline.
Comment: The p.F685L variant (also known as c.2053T>C), located in coding exon 12 of the FANCM gene, results from a T to C substitution at nucleotide position 2053. The phenylalanine at codon 685 is replaced by leucine, an amino acid with highly similar properties. This amino acid position is conserved. In addition, this alteration is predicted to be tolerated by in silico analysis. Based on the available evidence, the clinical significance of this variant remains unclear.

Labcorp Genetics (formerly Invitae), Labcorp
Classification: Uncertain significance for Fanconi anemia. Last evaluated: 2023-04-14. Review status: criteria provided, single submitter. Criteria: Invitae Variant Classification Sherloc (09022015). Collection method: clinical testing. Allele origin: germline.
Comment: In summary, the available evidence is currently insufficient to determine the role of this variant in disease. Therefore, it has been classified as a Variant of Uncertain Significance. An algorithm developed to predict the effect of missense changes on protein structure and function (PolyPhen-2) suggests that this variant is likely to be tolerated. This variant has not been reported in the literature in individuals affected with FANCM-related conditions. This variant is present in population databases (no rsID available, gnomAD 0.008%). This sequence change replaces phenylalanine, which is neutral and non-polar, with leucine, which is neutral and non-polar, at codon 685 of the FANCM protein (p.Phe685Leu).

NM_020937.4(FANCM):c.2053T>C (p.Phe685Leu)

Gene: FANCM (FA complementation group M; plus strand). Cytogenetic location: 14q21.2.
Variant type: single nucleotide variant.
Coding change: c.2053T>C on transcript NM_020937.4 (MANE Select); coding-DNA position 2053, T replaced by C.
Protein change: p.Phe685Leu; replaces phenylalanine 685 with leucine.
Molecular consequence: missense variant.
Genome position (GRCh38, 1-based): chr14:45,170,639, T>C. VCF-style: chr14-45170639-T-C. GRCh37 (hg19) VCF-style: chr14-45639842-T-C.
Other names: c.2053T>C (NM_020937.3); c.1975T>C, p.Phe659Leu (NM_001308133.2); short protein forms F659L, F685L.
Identifiers: ClinVar variation 2907086 (VCV002907086.5), dbSNP rs772645088, ClinGen allele CA389595954.
Genomic context (GRCh38, chr14:45,170,639, plus strand): 5'-CAACTTATAGGAATGAGGCAAAGTAGCCTAAAGAAAGATTGGTTCTTATCAGAAGAAGAA[T>C]TTAAATTATGGAACAGACTTTATAGATTAAGGGACAGTGATGAAATTAAAGAGATAACAT-3'
Protein context (NP_065988.1, residues 675-695): KKDWFLSEEE[Phe685Leu]KLWNRLYRLR